The following is an entry in ClinVar:

ClinVar aggregate classification (germline): Uncertain significance (1 of 4 stars; one submission).

Conditions:
DNA2-related disorder. Also called: DNA2-related condition.

gnomAD v4.1: 1 of 1,598,548 alleles (0.000063%); highest among the groups gnomAD compares: Non-Finnish European, 0.000085%; no homozygotes.

Submission:

PreventionGenetics, part of Exact Sciences
Classification: Uncertain significance for DNA2-related condition. Last evaluated: 2025-12-19. Review status: criteria provided, single submitter. Criteria: ACMG Guidelines, 2015. Collection method: clinical testing. Allele origin: germline.
Comment: The DNA2 c.74+2T>G variant is predicted to disrupt the GT donor site and interfere with normal splicing. To our knowledge, this variant has not been reported in the literature or in a large population database (gnomAD), indicating this variant is rare. Although we suspect that this variant may be pathogenic, at this time, the clinical significance of this variant is uncertain due to the absence of conclusive functional and genetic evidence.

NM_001080449.3(DNA2):c.74+2T>G

Gene: DNA2 (DNA replication helicase/nuclease 2; minus strand). Cytogenetic location: 10q21.3.
Variant type: single nucleotide variant.
Coding change: c.74+2T>G on transcript NM_001080449.3 (MANE Select); the canonical splice donor site of the intron after coding-DNA position 74, T replaced by G.
Molecular consequence: splice donor variant.
Genome position (GRCh38, 1-based): chr10:68,471,789, A>C on the plus strand (T>G on the coding strand, the complement: DNA2 is on the minus strand). VCF-style: chr10-68471789-A-C. GRCh37 (hg19) VCF-style: chr10-70231546-A-C.
Identifiers: ClinVar variation 4995679 (VCV004995679.1).